The following is an entry in ClinVar:

NM_198334.3(GANAB):c.30dup (p.Arg11Ter)

Gene: GANAB (glucosidase II alpha subunit; minus strand). Cytogenetic location: 11q12.3.
Variant type: Duplication.
Coding change: c.30dup on transcript NM_198334.3 (MANE Select); coding-DNA position 30, one base duplicated (T; older notation c.30dupT).
Protein change: p.Arg11Ter; replaces arginine 11 with a stop codon.
Molecular consequence: nonsense. On other transcripts: 5 prime UTR variant (3).
Genome position (GRCh38, 1-based): chr11:62,646,570, A duplicated on the plus strand (T on the coding strand, the reverse complement: GANAB is on the minus strand). VCF-style (leftmost placement, unchanged base first): chr11-62646569-T-TA. GRCh37 (hg19) VCF-style: chr11-62414041-T-TA.
Other names: c.30dup, p.Arg11Ter (NM_001278192.2, NM_001278193.2, NM_198335.4); c.-153dup (NM_001278194.2); c.-258dup (NM_001329223.2); c.-747dup (NM_001329225.2); short protein forms R11*.
Identifiers: ClinVar variation 4985267 (VCV004985267.1).

ClinVar aggregate classification (germline): Uncertain significance (1 of 4 stars; one submission).

Conditions:
GANAB-related disorder. Also called: GANAB-related condition.

Submission:

PreventionGenetics, part of Exact Sciences
Classification: Uncertain significance for GANAB-related condition. Last evaluated: 2026-09-03. Review status: criteria provided, single submitter. Criteria: ACMG Guidelines, 2015. Collection method: clinical testing. Allele origin: germline.
Comment: The GANAB c.30dupT variant is predicted to result in premature protein termination (p.Arg11*). To our knowledge, this variant has not been reported in the literature or in a large population database (gnomAD), indicating this variant is rare. This variant is located in the first exon of the gene. To our knowledge, more upstream truncating variants have not been reported in the literature. Although we suspect that this variant may be pathogenic, at this time, the clinical significance of this variant is uncertain due to the absence of conclusive functional and genetic evidence.